The following is an entry in ClinVar:

NC_000022.11:g.(?_28687897)_(28689225_?)del

Gene: CHEK2 (checkpoint kinase 2; minus strand). Cytogenetic location: 22q12.1.
Variant type: Deletion.
Identifiers: ClinVar variation 3247447 (VCV003247447.1).

ClinVar aggregate classification (germline): Likely pathogenic (1 of 4 stars; one submission).

Conditions:
Familial cancer of breast. Also called: BREAST CANCER, FAMILIAL; Hereditary breast cancer; hereditary breast carcinoma. Identifiers: Orphanet 227535, MedGen C0346153, MONDO:0016419, OMIM 114480. Disease mechanism: loss of function.

Submission:

Labcorp Genetics (formerly Invitae), Labcorp
Classification: Likely pathogenic for Familial cancer of breast. Last evaluated: 2023-06-06. Review status: criteria provided, single submitter. Criteria: Invitae Variant Classification Sherloc (09022015). Collection method: clinical testing. Allele origin: unknown.
Comment: This variant is a gross deletion of the genomic region encompassing exon(s) 14-15 of the CHEK2 gene, which includes the termination codon. This deletion extends beyond the assayed region for this gene and therefore may encompass additional genes. While this deletion is not anticipated to lead to nonsense mediated decay, it is expected to alter mRNA translation or result in a truncated protein product. A similar copy number variant has been observed in individual(s) with clinical features of CHEK2-related conditions (PMID: 28818680). In summary, the currently available evidence indicates that the variant is pathogenic, but additional data are needed to prove that conclusively. Therefore, this variant has been classified as Likely Pathogenic. This variant disrupts the nuclear localization signal (NLS) of the CHEK2 protein, which is critical for proper nuclear localization (PMID: 18004398, 12909615). While functional studies have not been performed to directly test the effect of this variant on CHEK2 protein function, this suggests that disruption of this region of the protein is causative of disease.

Literature cited by the submitters: PubMed 28818680; PubMed 18004398; PubMed 12909615.